The following is an entry in ClinVar:

ClinVar aggregate classification (germline): Benign/Likely benign. Review status: criteria provided, multiple submitters, no conflicts (2 of 4 stars). 13 submissions from 12 submitters: Benign (7); Likely benign (4). 2 of the submissions do not count toward it. Last evaluated 2026-01-25.

Conditions:
Inborn genetic diseases. Identifiers: MedGen C0950123, MeSH D030342.
Neuropathy, hereditary sensory, type 1D. Identifiers: Orphanet 36386, MedGen C3150972, MONDO:0013381, OMIM 613708.
Hereditary spastic paraplegia 3A (SPG3A). Also called: SPASTIC PARAPLEGIA 3, AUTOSOMAL DOMINANT; FAMILIAL SPASTIC PARAPLEGIA, AUTOSOMAL DOMINANT, 1; SPG3; STRUMPELL DISEASE; Spastic Paraplegia 3A; Spastic paraplegia 3A, autosomal dominant. Identifiers: Orphanet 100984, MedGen C2931355, MONDO:0008437, OMIM 182600.
Hereditary spastic paraplegia. Also called: Familial spastic paraparesis. Identifiers: Orphanet 685, MedGen C0037773, MONDO:0019064. Disease mechanism: loss of function.

Allele frequency attached by ClinVar (database versions not stated): gnomAD exomes 0.00047 and 0.00129; ExAC 0.00164; 1000 Genomes Project 0.00459; gnomAD 0.00498 and 0.00531; ESP Exome Variant Server 0.00515; 1000 Genomes Project 30x 0.00531; TOPMed 0.00553.
gnomAD v4.1: 1,468 of 1,614,140 alleles (0.091%); highest among the groups gnomAD compares: African/African-American, 1.8%; 20 homozygotes.

Submissions (13):

Labcorp Genetics (formerly Invitae), Labcorp
Classification: Benign for Hereditary spastic paraplegia 3A. Last evaluated: 2026-01-25. Review status: criteria provided, single submitter. Criteria: Invitae Variant Classification Sherloc (09022015). Collection method: clinical testing. Allele origin: germline.

ARUP Laboratories, Molecular Genetics and Genomics, ARUP Laboratories
Classification: Benign. Last evaluated: 2023-09-11. Review status: criteria provided, single submitter. Criteria: ARUP Molecular Germline Variant Investigation Process 2024. Collection method: clinical testing. Allele origin: germline.

Fulgent Genetics
Classification: Likely benign for Hereditary spastic paraplegia 3A; Neuropathy, hereditary sensory, type 1D. Last evaluated: 2022-05-17. Review status: criteria provided, single submitter. Criteria: ACMG Guidelines, 2015. Collection method: clinical testing. Allele origin: unknown.

Genome-Nilou Lab
Classification: Benign for Neuropathy, hereditary sensory, type 1D. Last evaluated: 2021-12-05. Review status: criteria provided, single submitter. Criteria: ACMG Guidelines, 2015. Collection method: clinical testing. Allele origin: germline. Affected: no.

Genome-Nilou Lab
Classification: Benign for Hereditary spastic paraplegia 3A. Last evaluated: 2021-12-05. Review status: criteria provided, single submitter. Criteria: ACMG Guidelines, 2015. Collection method: clinical testing. Allele origin: germline. Affected: no.

Genome Diagnostics Laboratory, The Hospital for Sick Children
Classification: Likely benign for Hereditary spastic paraplegia. Last evaluated: 2020-02-01. Review status: criteria provided, single submitter. Criteria: ACMG Guidelines, 2015. Collection method: clinical testing. Allele origin: germline. Affected: yes.

Ambry Genetics
Classification: Likely benign for Inborn genetic diseases. Last evaluated: 2019-07-11. Review status: criteria provided, single submitter. Criteria: Ambry Variant Classification Scheme 2023. Collection method: clinical testing. Allele origin: germline.

Illumina Laboratory Services, Illumina
Classification: Benign for Hereditary spastic paraplegia 3A. Last evaluated: 2018-01-13. Review status: criteria provided, single submitter. Criteria: ICSL Variant Classification Criteria 13 December 2019. Collection method: clinical testing. Allele origin: germline.
Comment: This variant was observed in the ICSL laboratory as part of a predisposition screen in an ostensibly healthy population. It had not been previously curated by ICSL or reported in the Human Gene Mutation Database (HGMD: prior to June 1st, 2018), and was therefore a candidate for classification through an automated scoring system. Utilizing variant allele frequency, disease prevalence and penetrance estimates, and inheritance mode, an automated score was calculated to assess if this variant is too frequent to cause the disease. Based on the score and internal cut-off values, a variant classified as benign is not then subjected to further curation. The score for this variant resulted in a classification of benign for this disease.

Mayo Clinic Laboratories, Mayo Clinic
Classification: Benign. Last evaluated: 2018-01-10. Review status: criteria provided, single submitter. Criteria: ACMG Guidelines, 2015. Collection method: clinical testing. Allele origin: germline. Observed: 3 variant alleles.

GeneDx
Classification: Benign. Last evaluated: 2017-04-07. Review status: criteria provided, single submitter. Criteria: GeneDx Variant Classification (06012015). Collection method: clinical testing. Allele origin: germline. Affected: yes.
Comment: This variant is considered likely benign or benign based on one or more of the following criteria: it is a conservative change, it occurs at a poorly conserved position in the protein, it is predicted to be benign by multiple in silico algorithms, and/or has population frequency not consistent with disease.

Breakthrough Genomics
Classification: Likely benign. Review status: criteria provided, single submitter. Criteria: ACMG Guidelines, 2015. Collection method: not provided. Allele origin: germline. Inheritance: Autosomal dominant inheritance. Affected: yes.

Clinical Genetics, Academic Medical Center
Classification: Benign. Review status: no assertion criteria provided. Collection method: clinical testing. Allele origin: germline. Affected: yes. Study: VKGL Data-share Consensus. Not counted in ClinVar's aggregate classification.

Joint Genome Diagnostic Labs from Nijmegen and Maastricht, Radboudumc and MUMC+
Classification: Benign. Review status: no assertion criteria provided. Collection method: clinical testing. Allele origin: germline. Affected: yes. Study: VKGL Data-share Consensus. Not counted in ClinVar's aggregate classification.

NM_015915.5(ATL1):c.1230G>A (p.Gly410=)

Gene: ATL1 (atlastin GTPase 1; plus strand). Cytogenetic location: 14q22.1.
Variant type: single nucleotide variant.
Coding change: c.1230G>A on transcript NM_015915.5 (MANE Select); coding-DNA position 1230, G replaced by A.
Protein change: p.Gly410=; no amino-acid change (glycine 410 retained).
Molecular consequence: synonymous variant.
Genome position (GRCh38, 1-based): chr14:50,628,141, G>A. VCF-style: chr14-50628141-G-A. GRCh37 (hg19) VCF-style: chr14-51094859-G-A.
Other names: p.Gly410=; c.1230G>A, p.Gly410= (NM_001127713.1, NM_181598.4).
Identifiers: ClinVar variation 241074 (VCV000241074.33), dbSNP rs148548325, ClinGen allele CA7180455.